The following is an entry in ClinVar:

ClinVar aggregate classification (germline): Uncertain significance (1 of 4 stars; one submission).

Conditions:
Peroxisome biogenesis disorder 2B (PBD2B). Identifiers: Orphanet 44, MedGen C3550234, MONDO:0008736, OMIM 202370.

gnomAD v4.1: 2 of 1,613,990 alleles (0.00012%); highest among the groups gnomAD compares: East Asian, 0.0045%; no homozygotes.

Submission:

Labcorp Genetics (formerly Invitae), Labcorp
Classification: Uncertain significance for Peroxisome biogenesis disorder 2B. Last evaluated: 2025-06-12. Review status: criteria provided, single submitter. Criteria: Invitae Variant Classification Sherloc (09022015). Collection method: clinical testing. Allele origin: germline.
Comment: This sequence change replaces aspartic acid, which is acidic and polar, with glycine, which is neutral and non-polar, at codon 259 of the PEX5 protein (p.Asp259Gly). This variant is present in population databases (rs772723100, gnomAD 0.02%). This variant has not been reported in the literature in individuals affected with PEX5-related conditions. Invitae Evidence Modeling of protein sequence and biophysical properties (such as structural, functional, and spatial information, amino acid conservation, physicochemical variation, residue mobility, and thermodynamic stability) indicates that this missense variant is not expected to disrupt PEX5 protein function with a negative predictive value of 80%. In summary, the available evidence is currently insufficient to determine the role of this variant in disease. Therefore, it has been classified as a Variant of Uncertain Significance.

NM_001351132.2(PEX5):c.776A>G (p.Asp259Gly)

Gene: PEX5 (peroxisomal biogenesis factor 5; plus strand). Cytogenetic location: 12p13.31.
Variant type: single nucleotide variant.
Coding change: c.776A>G on transcript NM_001351132.2 (MANE Select); coding-DNA position 776, A replaced by G.
Protein change: p.Asp259Gly; replaces aspartic acid 259 with glycine.
Molecular consequence: missense variant.
Genome position (GRCh38, 1-based): chr12:7,202,634, A>G. VCF-style: chr12-7202634-A-G. GRCh37 (hg19) VCF-style: chr12-7355230-A-G.
Other names: c.776A>G, p.Asp259Gly (NM_000319.5, NM_001131025.2, NM_001131026.2 and 6 more transcripts); c.821A>G, p.Asp274Gly (NM_001131023.2); c.665A>G, p.Asp222Gly (NM_001131024.2, NM_001351124.3, NM_001351126.2 and 10 more transcripts); c.710A>G, p.Asp237Gly (NM_001351135.3, NM_001351138.2); short protein forms D222G, D237G, D259G, D274G.
Identifiers: ClinVar variation 4807388 (VCV004807388.1).
Genomic context (GRCh38, chr12:7,202,634, plus strand): 5'-TTGGTGGTAGTGGTACTGACCATCCTTTTTTGTCGCAGGGTACATCAGATGCCTGGGTTG[A>G]CCAGTTCACAAGACCAGTAAACACATCTGCCCTTGATATGGAGTTTGAACGAGCCAAGTC-3'
Protein context (NP_001338061.1, residues 249-269): QQQGTSDAWV[Asp259Gly]QFTRPVNTSA